The following is an entry in ClinVar:

ClinVar aggregate classification (germline): Uncertain significance (1 of 4 stars; one submission).

Conditions:
Hyperkalemic periodic paralysis. Also called: Familial hyperkalemic periodic paralysis; Gamstorp disease. Identifiers: Orphanet 682, MedGen C0238357, MONDO:0008224, OMIM 170500, HP:0007215.

gnomAD v4.1: 6 of 1,613,502 alleles (0.00037%); highest among the groups gnomAD compares: East Asian, 0.0045%; no homozygotes.

Submission:

Labcorp Genetics (formerly Invitae), Labcorp
Classification: Uncertain significance for Hyperkalemic periodic paralysis. Last evaluated: 2024-06-12. Review status: criteria provided, single submitter. Criteria: Invitae Variant Classification Sherloc (09022015). Collection method: clinical testing. Allele origin: germline.
Comment: This sequence change replaces aspartic acid, which is acidic and polar, with asparagine, which is neutral and polar, at codon 1101 of the SCN4A protein (p.Asp1101Asn). This variant is not present in population databases (gnomAD no frequency). This variant has not been reported in the literature in individuals affected with SCN4A-related conditions. Advanced modeling of protein sequence and biophysical properties (such as structural, functional, and spatial information, amino acid conservation, physicochemical variation, residue mobility, and thermodynamic stability) performed at Invitae indicates that this missense variant is expected to disrupt SCN4A protein function with a positive predictive value of 95%. Experimental studies have shown that this missense change does not substantially affect SCN4A function (PMID: 24778431). In summary, the available evidence is currently insufficient to determine the role of this variant in disease. Therefore, it has been classified as a Variant of Uncertain Significance.

Literature cited by the submitters: PubMed 24778431.

NM_000334.4(SCN4A):c.3301G>A (p.Asp1101Asn)

Genes: GH-LCR (growth hormone locus control region; plus strand), SCN4A (sodium voltage-gated channel alpha subunit 4; minus strand). Cytogenetic location: 17q23.3.
Variant type: single nucleotide variant.
Coding change: c.3301G>A on transcript NM_000334.4 (MANE Select); coding-DNA position 3301, G replaced by A.
Protein change: p.Asp1101Asn; replaces aspartic acid 1101 with asparagine.
Molecular consequence: missense variant.
Genome position (GRCh38, 1-based): chr17:63,947,907, C>T on the plus strand (G>A on the coding strand, the complement: SCN4A is on the minus strand). VCF-style: chr17-63947907-C-T. GRCh37 (hg19) VCF-style: chr17-62025267-C-T.
Other names: short protein forms D1101N.
Identifiers: ClinVar variation 3631421 (VCV003631421.2).